The following is an entry in ClinVar:

ClinVar aggregate classification (germline): Uncertain significance (1 of 4 stars; one submission).

Conditions:
Peroxisome biogenesis disorder. Identifiers: Orphanet 79189, MedGen C1832200, MONDO:0019234. Disease mechanism: loss of function.

Allele frequency attached by ClinVar (database versions not stated): gnomAD exomes 0.00001; TOPMed 0.00001.
gnomAD v4.1: 8 of 1,613,780 alleles (0.0005%); highest among the groups gnomAD compares: Non-Finnish European, 0.00068%; no homozygotes.

Submission:

Victorian Clinical Genetics Services, Murdoch Childrens Research Institute
Classification: Uncertain significance for Peroxisome biogenesis disorder. Last evaluated: 2020-06-11. Review status: criteria provided, single submitter. Criteria: ACMG Guidelines, 2015. Collection method: clinical testing. Allele origin: germline. Inheritance: Autosomal recessive inheritance.
Comment: Based on the classification scheme VCGS_Germline_v1.1.1, this variant is classified as 3B-VUS. Following criteria are met: 0102 - Loss-of-function is a known mechanism of disease for this gene. (N) 0106 - This gene is known to be associated with autosomal recessive disease. (N) 0200 - Variant is predicted to result in a missense amino acid change from arginine to histidine (exon 10). (N) 0251 - Variant is heterozygous. (N) 0301 - Variant is absent from gnomAD. (P) 0309 - Alternative amino acid changes at the same position have been observed in gnomAD (3 heterozygotes, 0 homozygotes). (N) 0502 - Missense variant with conflicting in silico predictions and/or uninformative conservation. (N) 0604 - Variant is not located in an established domain, motif, hotspot or informative constraint region. (N) 0705 - No comparable variants have previous evidence for pathogenicity. An alternative amino acid change - p.(Arg577Ser) has been reported as VUS (ClinVar). (N) 0807 - Variant has not previously been reported in a clinical context. (N) 0905 - No segregation evidence has been identified for this variant. (N) 1007 - No published functional evidence has been identified for this variant. (N) 1208 - Inheritance information for this variant is not currently available. (N) Legend: (P) - Pathogenic, (N) - Neutral, (B) - Benign

NM_000466.3(PEX1):c.1730G>A (p.Arg577His)

Gene: PEX1 (peroxisomal biogenesis factor 1; minus strand). Cytogenetic location: 7q21.2.
Variant type: single nucleotide variant.
Coding change: c.1730G>A on transcript NM_000466.3 (MANE Select); coding-DNA position 1730, G replaced by A.
Protein change: p.Arg577His; replaces arginine 577 with histidine.
Molecular consequence: missense variant.
Genome position (GRCh38, 1-based): chr7:92,507,067, C>T on the plus strand (G>A on the coding strand, the complement: PEX1 is on the minus strand). VCF-style: chr7-92507067-C-T. GRCh37 (hg19) VCF-style: chr7-92136381-C-T.
Other names: c.1730G>A, p.Arg577His (NM_001282677.2); c.1106G>A, p.Arg369His (NM_001282678.2); short protein forms R369H, R577H.
Identifiers: ClinVar variation 1805624 (VCV001805624.1), dbSNP rs1585238583, ClinGen allele CA368187724.